The following is an entry in ClinVar:

ClinVar aggregate classification (germline): Benign (1 of 4 stars; one submission).

Conditions:
Sessile serrated polyposis cancer syndrome (SSPCS). Identifiers: Orphanet 157798, MedGen C4310714, MONDO:0014919, OMIM 617108.

Submission:

Myriad Genetics, Inc.
Classification: Benign for Sessile serrated polyposis cancer syndrome. Last evaluated: 2026-07-01. Review status: criteria provided, single submitter. Criteria: Myriad Autosomal Dominant, Autosomal Recessive and X-Linked Classification Criteria (2023). Collection method: clinical testing. Allele origin: unknown.
Comment: This variant is considered benign. This variant is a silent/synonymous amino acid change and it is not expected to impact splicing.

NM_017763.6(RNF43):c.1263C>A (p.Leu421=)

Gene: RNF43 (ring finger protein 43; minus strand). Cytogenetic location: 17q22.
Variant type: single nucleotide variant.
Coding change: c.1263C>A on transcript NM_017763.6 (MANE Select); coding-DNA position 1263, C replaced by A.
Protein change: p.Leu421=; no amino-acid change (leucine 421 retained).
Molecular consequence: synonymous variant.
Genome position (GRCh38, 1-based): chr17:58,358,513, G>T on the plus strand (C>A on the coding strand, the complement: RNF43 is on the minus strand). VCF-style: chr17-58358513-G-T. GRCh37 (hg19) VCF-style: chr17-56435874-G-T.
Other names: c.1263C>A, p.Leu421= (NM_001305544.3, NM_001438820.1, NM_001438821.1 and 1 more transcripts); c.882C>A, p.Leu294= (NM_001305545.2, NM_001437987.1).
Identifiers: ClinVar variation 5042431 (VCV005042431.1).